The following is an entry in ClinVar:

NM_001127222.2(CACNA1A):c.2630T>A (p.Leu877Gln)

Gene: CACNA1A (calcium voltage-gated channel subunit alpha1 A; minus strand). Cytogenetic location: 19p13.13.
Variant type: single nucleotide variant.
Coding change: c.2630T>A on transcript NM_001127222.2 (MANE Select); coding-DNA position 2630, T replaced by A.
Protein change: p.Leu877Gln; replaces leucine 877 with glutamine.
Molecular consequence: missense variant.
Genome position (GRCh38, 1-based): chr19:13,299,003, A>T on the plus strand (T>A on the coding strand, the complement: CACNA1A is on the minus strand). VCF-style: chr19-13299003-A-T. GRCh37 (hg19) VCF-style: chr19-13409817-A-T.
Other names: c.2642T>A, p.Leu881Gln (NM_000068.4, NM_023035.3); c.2633T>A, p.Leu878Gln (NM_001127221.2, NM_001174080.2); short protein forms L877Q, L878Q, L881Q.
Identifiers: ClinVar variation 2060016 (VCV002060016.4), dbSNP rs775540472, ClinGen allele CA404343044.

ClinVar aggregate classification (germline): Uncertain significance (1 of 4 stars; one submission).

Conditions:
Developmental and epileptic encephalopathy, 42 (DEE42A). Also called: DEVELOPMENTAL AND EPILEPTIC ENCEPHALOPATHY 42A; EPILEPTIC ENCEPHALOPATHY, EARLY INFANTILE, 42A; Epileptic encephalopathy, early infantile, 42. Identifiers: MedGen C4310716, MONDO:0014917, OMIM 617106.
Episodic ataxia type 2 (EA2). Also called: ACETAZOLAMIDE-RESPONSIVE HEREDITARY PAROXYSMAL CEREBELLAR ATAXIA; ATAXIA, EPISODIC, WITH NYSTAGMUS; ATAXIA, FAMILIAL PAROXYSMAL; CEREBELLAR ATAXIA, PAROXYSMAL, ACETAZOLAMIDE-RESPONSIVE; CEREBELLOPATHY, HEREDITARY PAROXYSMAL; EPISODIC ATAXIA, NYSTAGMUS-ASSOCIATED. Identifiers: Orphanet 97, MedGen C1720416, MONDO:0007163, OMIM 108500.

Submission:

Labcorp Genetics (formerly Invitae), Labcorp
Classification: Uncertain significance for Developmental and epileptic encephalopathy, 42; Episodic ataxia type 2. Last evaluated: 2022-03-28. Review status: criteria provided, single submitter. Criteria: Invitae Variant Classification Sherloc (09022015). Collection method: clinical testing. Allele origin: germline.
Comment: In summary, the available evidence is currently insufficient to determine the role of this variant in disease. Therefore, it has been classified as a Variant of Uncertain Significance. Algorithms developed to predict the effect of sequence changes on RNA splicing suggest that this variant may create or strengthen a splice site. Advanced modeling of protein sequence and biophysical properties (such as structural, functional, and spatial information, amino acid conservation, physicochemical variation, residue mobility, and thermodynamic stability) performed at Invitae indicates that this missense variant is not expected to disrupt CACNA1A protein function. This variant has not been reported in the literature in individuals affected with CACNA1A-related conditions. This variant is not present in population databases (gnomAD no frequency). This sequence change replaces leucine, which is neutral and non-polar, with glutamine, which is neutral and polar, at codon 878 of the CACNA1A protein (p.Leu878Gln).